The following is an entry in ClinVar:

ClinVar aggregate classification (germline): Uncertain significance (1 of 4 stars; one submission).

Conditions:
Adenylosuccinate lyase deficiency (ADSLD). Also called: ADSL DEFICIENCY. Identifiers: Orphanet 46, MedGen C0268126, MONDO:0007068, OMIM 103050.

Submission:

Labcorp Genetics (formerly Invitae), Labcorp
Classification: Uncertain significance for Adenylosuccinate lyase deficiency. Last evaluated: 2021-08-02. Review status: criteria provided, single submitter. Criteria: Invitae Variant Classification Sherloc (09022015). Collection method: clinical testing. Allele origin: germline.
Comment: This variant occurs in a non-coding region of the ADSL gene. It does not change the encoded amino acid sequence of the ADSL protein. This variant is not present in population databases (ExAC no frequency). This variant has not been reported in the literature in individuals affected with ADSL-related conditions. Experimental studies and prediction algorithms are not available or were not evaluated, and the functional significance of this variant is currently unknown. In summary, the available evidence is currently insufficient to determine the role of this variant in disease. Therefore, it has been classified as a Variant of Uncertain Significance.

NM_000026.4(ADSL):c.-20G>T

Gene: ADSL (adenylosuccinate lyase; plus strand). Cytogenetic location: 22q13.1.
Variant type: single nucleotide variant.
Coding change: c.-20G>T on transcript NM_000026.4 (MANE Select); 20 bases upstream of the start codon, G replaced by T.
Molecular consequence: 5 prime UTR variant. On other transcripts: non-coding transcript variant (1).
Genome position (GRCh38, 1-based): chr22:40,346,539, G>T. VCF-style: chr22-40346539-G-T. GRCh37 (hg19) VCF-style: chr22-40742543-G-T.
Other names: c.-20G>T (NM_001123378.3, NM_001363840.3); c.-157G>T (NM_001317923.2).
Identifiers: ClinVar variation 1416772 (VCV001416772.3), dbSNP rs1601542242, ClinGen allele CA2405715918.